The following is an entry in ClinVar:

ClinVar aggregate classification (germline): Uncertain significance. Review status: criteria provided, multiple submitters, no conflicts (2 of 4 stars). 2 submissions from 2 submitters: Uncertain significance (2). Last evaluated 2025-06-03.

Conditions:
Inborn genetic diseases. Identifiers: MedGen C0950123, MeSH D030342.

gnomAD v4.1: 60 of 1,612,436 alleles (0.0037%); highest among the groups gnomAD compares: East Asian, 0.0089%; no homozygotes.

Submissions (2):

Labcorp Genetics (formerly Invitae), Labcorp
Classification: Uncertain significance. Last evaluated: 2025-06-03. Review status: criteria provided, single submitter. Criteria: Invitae Variant Classification Sherloc (09022015). Collection method: clinical testing. Allele origin: germline.
Comment: This sequence change replaces arginine, which is basic and polar, with histidine, which is basic and polar, at codon 1575 of the LAMA5 protein (p.Arg1575His). The frequency data for this variant in the population databases is considered unreliable, as metrics indicate poor data quality at this position in the gnomAD database. This variant has not been reported in the literature in individuals affected with LAMA5-related conditions. ClinVar contains an entry for this variant (Variation ID: 3536998). An algorithm developed to predict the effect of missense changes on protein structure and function outputs the following: PolyPhen-2: "Benign". The histidine amino acid residue is found in multiple mammalian species, which suggests that this missense change does not adversely affect protein function. In summary, the available evidence is currently insufficient to determine the role of this variant in disease. Therefore, it has been classified as a Variant of Uncertain Significance.

Ambry Genetics
Classification: Uncertain significance for Inborn genetic diseases. Last evaluated: 2024-10-04. Review status: criteria provided, single submitter. Criteria: Ambry Variant Classification Scheme 2023. Collection method: clinical testing. Allele origin: germline.

NM_005560.6(LAMA5):c.4724G>A (p.Arg1575His)

Gene: LAMA5 (laminin subunit alpha 5; minus strand). Cytogenetic location: 20q13.33.
Variant type: single nucleotide variant.
Coding change: c.4724G>A on transcript NM_005560.6 (MANE Select); coding-DNA position 4724, G replaced by A.
Protein change: p.Arg1575His; replaces arginine 1575 with histidine.
Molecular consequence: missense variant.
Genome position (GRCh38, 1-based): chr20:62,327,939, C>T on the plus strand (G>A on the coding strand, the complement: LAMA5 is on the minus strand). VCF-style: chr20-62327939-C-T. GRCh37 (hg19) VCF-style: chr20-60902995-C-T.
Other names: short protein forms R1575H.
Identifiers: ClinVar variation 3536998 (VCV003536998.2).